The following is an entry in ClinVar:

ClinVar aggregate classification (germline): Uncertain significance (1 of 4 stars; one submission).

Conditions:
Autosomal recessive early-onset Parkinson disease 6 (PARK6). Also called: PARKINSON DISEASE 6, EARLY-ONSET; PINK1-Related Parkinson Disease; PINK1 Type of Young-Onset Parkinson Disease; PARKINSON DISEASE 6, MODIFIER OF. Identifiers: Orphanet 2828, MedGen C1853833, MONDO:0011613, OMIM 605909.

Submission:

Labcorp Genetics (formerly Invitae), Labcorp
Classification: Uncertain significance for Autosomal recessive early-onset Parkinson disease 6. Last evaluated: 2025-11-03. Review status: criteria provided, single submitter. Criteria: Invitae Variant Classification Sherloc (09022015). Collection method: clinical testing. Allele origin: germline.
Comment: This sequence change replaces arginine, which is basic and polar, with glycine, which is neutral and non-polar, at codon 361 of the PINK1 protein (p.Arg361Gly). This variant is not present in population databases (gnomAD no frequency). This variant has not been reported in the literature in individuals affected with PINK1-related conditions. Invitae Evidence Modeling of protein sequence and biophysical properties (such as structural, functional, and spatial information, amino acid conservation, physicochemical variation, residue mobility, and thermodynamic stability) indicates that this missense variant is expected to disrupt PINK1 protein function with a positive predictive value of 95%. In summary, the available evidence is currently insufficient to determine the role of this variant in disease. Therefore, it has been classified as a Variant of Uncertain Significance.

NM_032409.3(PINK1):c.1081A>G (p.Arg361Gly)

Genes: PINK1 (PTEN induced kinase 1; plus strand), PINK1-AS (PINK1 antisense RNA; minus strand). Cytogenetic location: 1p36.12.
Variant type: single nucleotide variant.
Coding change: c.1081A>G on transcript NM_032409.3 (MANE Select); coding-DNA position 1081, A replaced by G.
Protein change: p.Arg361Gly; replaces arginine 361 with glycine.
Molecular consequence: missense variant. On other transcripts: non-coding transcript variant (1).
Genome position (GRCh38, 1-based): chr1:20,645,681, A>G. VCF-style: chr1-20645681-A-G. GRCh37 (hg19) VCF-style: chr1-20972174-A-G.
Other names: short protein forms R361G.
Identifiers: ClinVar variation 4700101 (VCV004700101.1).